The following is an entry in ClinVar:

NM_016507.4(CDK12):c.3417C>A (p.Asn1139Lys)

Gene: CDK12 (cyclin dependent kinase 12; plus strand). Cytogenetic location: 17q12.
Variant type: single nucleotide variant.
Coding change: c.3417C>A on transcript NM_016507.4 (MANE Select); coding-DNA position 3417, C replaced by A.
Protein change: p.Asn1139Lys; replaces asparagine 1139 with lysine.
Molecular consequence: missense variant.
Genome position (GRCh38, 1-based): chr17:39,525,973, C>A. VCF-style: chr17-39525973-C-A. GRCh37 (hg19) VCF-style: chr17-37682226-C-A.
Other names: c.3417C>A, p.Asn1139Lys (NM_015083.4); short protein forms N1139K.
Identifiers: ClinVar variation 3830468 (VCV003830468.1).
Genomic context (GRCh38, chr17:39,525,973, plus strand): 5'-ATTAAACCTGCTGCAGAGCCAAACCGACCTGAGCATCCCTCAAATGGCACAGCTGCTTAA[C>A]ATCCACTCCAACCCAGAGATGCAGCAGCAGCTGGAAGCCCTGAACCAATCCATCAGTGCC-3'
Protein context (NP_057591.2, residues 1129-1149): LSIPQMAQLL[Asn1139Lys]IHSNPEMQQQ

ClinVar aggregate classification (germline): Uncertain significance (1 of 4 stars; one submission).

gnomAD v4.1: 1 of 1,614,182 alleles (0.000062%); highest among the groups gnomAD compares: Non-Finnish European, 0.000085%; no homozygotes.

Submission:

Ambry Genetics
Classification: Uncertain significance. Last evaluated: 2025-01-07. Review status: criteria provided, single submitter. Criteria: Ambry Variant Classification Scheme 2023. Collection method: clinical testing. Allele origin: germline.
Comment: The p.N1139K variant (also known as c.3417C>A), located in coding exon 13 of the CDK12 gene, results from a C to A substitution at nucleotide position 3417. The asparagine at codon 1139 is replaced by lysine, an amino acid with similar properties. This amino acid position is conserved. In addition, this alteration is predicted to be tolerated by in silico analysis. Based on the available evidence, the clinical significance of this variant remains unclear.